The following is an entry in ClinVar:

ClinVar aggregate classification (germline): Uncertain significance (1 of 4 stars; one submission).

Conditions:
Hereditary breast ovarian cancer syndrome. Also called: BRCA1- and BRCA2-Associated Hereditary Breast and Ovarian Cancer; Hereditary breast and ovarian cancer; Hereditary breast and ovarian cancer syndrome (HBOC); Hereditary breast and/or ovarian cancer syndrome; Hereditary breast and ovarian cancer syndrome; Breast and ovarian cancer. Identifiers: Orphanet 145, MedGen C0677776, MeSH D061325, MONDO:0003582. Disease mechanism: loss of function.

Submission:

Labcorp Genetics (formerly Invitae), Labcorp
Classification: Uncertain significance for Hereditary breast ovarian cancer syndrome. Last evaluated: 2022-08-27. Review status: criteria provided, single submitter. Criteria: Invitae Variant Classification Sherloc (09022015). Collection method: clinical testing. Allele origin: germline.
Comment: In summary, the available evidence is currently insufficient to determine the role of this variant in disease. Therefore, it has been classified as a Variant of Uncertain Significance. This variant has not been reported in the literature in individuals affected with BRCA2-related conditions. This variant is not present in population databases (gnomAD no frequency). This variant, c.1636_1644dup, results in the insertion of 3 amino acid(s) of the BRCA2 protein (p.Cys546_Gln548dup), but otherwise preserves the integrity of the reading frame.

NM_000059.4(BRCA2):c.1636_1644dup (p.Gln548_Lys549insCysSerGln)

Gene: BRCA2 (BRCA2 DNA repair associated; plus strand). Cytogenetic location: 13q13.1.
Variant type: Duplication.
Coding change: c.1636_1644dup on transcript NM_000059.4 (MANE Select); coding-DNA positions 1636 to 1644, 9 bases duplicated (TGCTCACAG; older notation c.1636_1644dupTGCTCACAG).
Protein change: p.Gln548_Lys549insCysSerGln.
Molecular consequence: inframe insertion. On other transcripts: inframe indel (3).
Genome position (GRCh38, 1-based): chr13:32,333,114-32,333,122, TGCTCACAG duplicated. VCF-style (leftmost placement, unchanged base first): chr13-32333113-T-TTGCTCACAG. GRCh37 (hg19) VCF-style: chr13-32907250-T-TTGCTCACAG.
Other names: c.1636_1644dup, p.Gln548_Lys549insCysSerGln (NM_001406719.1, NM_001406720.1, NM_001406721.1).
Identifiers: ClinVar variation 1994090 (VCV001994090.4), dbSNP rs2548520676, ClinGen allele CA2580087090.